The following is an entry in ClinVar:

NM_000217.3(KCNA1):c.920G>A (p.Arg307His)

Gene: KCNA1 (potassium voltage-gated channel subfamily A member 1; plus strand). Cytogenetic location: 12p13.32.
Variant type: single nucleotide variant.
Coding change: c.920G>A on transcript NM_000217.3 (MANE Select); coding-DNA position 920, G replaced by A.
Protein change: p.Arg307His; replaces arginine 307 with histidine.
Molecular consequence: missense variant.
Genome position (GRCh38, 1-based): chr12:4,912,298, G>A. VCF-style: chr12-4912298-G-A. GRCh37 (hg19) VCF-style: chr12-5021464-G-A.
Other names: c.920G>A (NM_000217.2); short protein forms R307H.
Identifiers: ClinVar variation 2498543 (VCV002498543.29), dbSNP rs2497353413, ClinGen allele CA383455630.

ClinVar aggregate classification (germline): Conflicting classifications of pathogenicity. Review status: criteria provided, conflicting classifications (1 of 4 stars). 2 submissions from 2 submitters: Likely pathogenic (1); Uncertain significance (1). Last evaluated 2025-05-16.

Submissions (2):

GeneDx
Classification: Uncertain significance. Last evaluated: 2025-05-16. Review status: criteria provided, single submitter. Criteria: GeneDx Variant Classification Process June 2021. Collection method: clinical testing. Allele origin: germline. Affected: yes.
Comment: Not observed at significant frequency in large population cohorts (gnomAD); In silico analysis supports that this missense variant has a deleterious effect on protein structure/function; Has not been previously published as pathogenic or benign to our knowledge

CeGaT Center for Human Genetics Tuebingen
Classification: Likely pathogenic. Last evaluated: 2023-01-01. Review status: criteria provided, single submitter. Criteria: CeGaT Center For Human Genetics Tuebingen Variant Classification Criteria Version 2. Collection method: clinical testing. Allele origin: germline. Affected: yes. Observed: 1 variant allele.
Comment: KCNA1: PM2, PM5, PP2, PP3